The following is an entry in ClinVar:

ClinVar aggregate classification (germline): Likely pathogenic. Review status: criteria provided, single submitter (1 of 4 stars). 2 submissions from 2 submitters: Likely pathogenic (1). 1 of the submissions does not count toward it. Last evaluated 2024-07-16.

Conditions:
CDKL5 disorder. Identifiers: MedGen CN296942, MONDO:0100039.
Developmental and epileptic encephalopathy, 2 (DEE2). Also called: INFANTILE SPASM SYNDROME, X-LINKED 2; CDKL5 deficiency disorder. Identifiers: Orphanet 1934, Orphanet 3451, Orphanet 505652, MedGen C4750718, MONDO:0010396, OMIM 300672.

Submissions (2):

Centre for Population Genomics, CPG
Classification: Likely pathogenic for CDKL5 disorder. Last evaluated: 2024-07-16. Review status: criteria provided, single submitter. Criteria: McKnight et al. (Hum Mutat. 2022). Collection method: curation. Allele origin: germline. Inheritance: X-linked inheritance.
Comment: This variant has been collected from RettBASE and curated to current modified ACMG/AMP criteria. Based on the classification scheme defined by the ClinGen Rett/Angelman-like Expert Panel for Rett/AS-like Disorders Specifications to the ACMG/AMP Variant Interpretation Guidelines VCEP 3.0, this variant is classified as likely pathogenic. At least the following criteria are met: Predicted to result in loss of function, and LOF is a known mechanism of disease (PVS1). At least one individual with this variant has been reported with a clinical phenotype consistent with CDKL5-related condition (PP4, PMID: 19780792).

RettBASE
Classification: Pathogenic for Epileptic encephalopathy, early infantile, 2. Last evaluated: 2014-03-13. Review status: no assertion criteria provided. Collection method: curation. Allele origin: unknown. Affected: yes. Observed: 1 variant allele. Not counted in ClinVar's aggregate classification.
Comment: Protein change prediction based on skipping on exons 7 and 8

Literature cited by the submitters: PubMed 19780792 (cited by RettBASE).

NM_001323289.2(CDKL5):c.403+540_554+61del

Gene: CDKL5 (cyclin dependent kinase like 5; plus strand). Cytogenetic location: Xp22.13.
Variant type: Deletion.
Coding change: c.403+540_554+61del on transcript NM_001323289.2 (MANE Select); 540 bases into the intron after coding-DNA position 403 through 61 bases into the intron after coding-DNA position 554, 3,907 bases deleted.
Molecular consequence: splice acceptor variant, splice donor variant.
Genome position (GRCh38, 1-based): chrX:18,580,508-18,584,414, 3,907 bases deleted. GRCh37 (hg19): chrX:18,598,628-18,602,534.
Other names: c.403+540_554+61del (NM_003159.3, NM_001037343.2).
Identifiers: ClinVar variation 189588 (VCV000189588.3), ClinGen allele CA199399.